The following is an entry in ClinVar:

ClinVar aggregate classification (germline): Uncertain significance. Review status: criteria provided, multiple submitters, no conflicts (2 of 4 stars). 2 submissions from 2 submitters: Uncertain significance (2). Last evaluated 2025-12-31.

Allele frequency attached by ClinVar (database versions not stated): ExAC 0.00001; TOPMed 0.00002.
gnomAD v4.1: 19 of 1,613,998 alleles (0.0012%); highest among the groups gnomAD compares: Middle Eastern, 0.017%; no homozygotes.

Submissions (2):

Labcorp Genetics (formerly Invitae), Labcorp
Classification: Uncertain significance. Last evaluated: 2025-12-31. Review status: criteria provided, single submitter. Criteria: Invitae Variant Classification Sherloc (09022015). Collection method: clinical testing. Allele origin: germline.
Comment: This sequence change replaces threonine, which is neutral and polar, with asparagine, which is neutral and polar, at codon 5333 of the HMCN1 protein (p.Thr5333Asn). This variant is present in population databases (rs764282915, gnomAD 0.01%). This variant has not been reported in the literature in individuals affected with HMCN1-related conditions. ClinVar contains an entry for this variant (Variation ID: 2144337). An algorithm developed to predict the effect of missense changes on protein structure and function (PolyPhen-2) suggests that this variant is likely to be disruptive. In summary, the available evidence is currently insufficient to determine the role of this variant in disease. Therefore, it has been classified as a Variant of Uncertain Significance.

Ambry Genetics
Classification: Uncertain significance. Last evaluated: 2025-12-03. Review status: criteria provided, single submitter. Criteria: Ambry Variant Classification Scheme 2023. Collection method: clinical testing. Allele origin: germline.

NM_031935.3(HMCN1):c.15998C>A (p.Thr5333Asn)

Gene: HMCN1 (hemicentin 1; plus strand). Cytogenetic location: 1q31.1.
Variant type: single nucleotide variant.
Coding change: c.15998C>A on transcript NM_031935.3 (MANE Select); coding-DNA position 15998, C replaced by A.
Protein change: p.Thr5333Asn; replaces threonine 5333 with asparagine.
Molecular consequence: missense variant.
Genome position (GRCh38, 1-based): chr1:186,178,470, C>A. VCF-style: chr1-186178470-C-A. GRCh37 (hg19) VCF-style: chr1-186147602-C-A.
Other names: c.15998C>A (NM_031935.2); short protein forms T5333N.
Identifiers: ClinVar variation 2144337 (VCV002144337.5), dbSNP rs764282915, ClinGen allele CA1295456.